The following is an entry in ClinVar:

ClinVar aggregate classification (germline): Pathogenic (1 of 4 stars; one submission).

Conditions:
Marfan syndrome (MFS). Also called: Marfan syndrome type 1; Marfan's syndrome; FBN1-Related Marfan Syndrome; MARFAN SYNDROME, TYPE I; Marfan syndrome, classic. Identifiers: Orphanet 284963, Orphanet 558, MedGen C0024796, MONDO:0007947, OMIM 154700.
Familial thoracic aortic aneurysm and aortic dissection (TAAD). Also called: Thoracic aortic aneurysms and dissections. Identifiers: Orphanet 91387, MedGen C4707243, MONDO:0019625.

Submission:

Labcorp Genetics (formerly Invitae), Labcorp
Classification: Pathogenic for Marfan syndrome; Familial thoracic aortic aneurysm and aortic dissection. Last evaluated: 2021-02-09. Review status: criteria provided, single submitter. Criteria: Invitae Variant Classification Sherloc (09022015). Collection method: clinical testing. Allele origin: germline.
Comment: This variant has been observed in individual(s) with Marfan syndrome (Invitae). This variant is not present in population databases (ExAC no frequency). Algorithms developed to predict the effect of sequence changes on RNA splicing suggest that this variant may create or strengthen a splice site, but this prediction has not been confirmed by published transcriptional studies. This sequence change creates a premature translational stop signal (p.Cys123Valfs*2) in the FBN1 gene. It is expected to result in an absent or disrupted protein product. Loss-of-function variants in FBN1 are known to be pathogenic (PMID: 17657824, 19293843). For these reasons, this variant has been classified as Pathogenic.

Literature cited by the submitters: PubMed 17657824; PubMed 19293843.

NM_000138.5(FBN1):c.367del (p.Cys123fs)

Gene: FBN1 (fibrillin 1; minus strand). Cytogenetic location: 15q21.1.
Variant type: Deletion.
Coding change: c.367del on transcript NM_000138.5 (MANE Select); coding-DNA position 367, one base deleted (T; older notation c.367delT).
Protein change: p.Cys123fs; shifts the reading frame from cysteine 123.
Molecular consequence: frameshift variant.
Genome position (GRCh38, 1-based): chr15:48,600,214, A deleted on the plus strand (T on the coding strand, the reverse complement: FBN1 is on the minus strand). VCF-style (leftmost placement, unchanged base first): chr15-48600213-CA-C. GRCh37 (hg19) VCF-style: chr15-48892410-CA-C.
Other names: short protein forms C123fs.
Identifiers: ClinVar variation 1390294 (VCV001390294.8), dbSNP rs2140718246, ClinGen allele CA2573150805.
Genomic context (GRCh38, chr15:48,600,213, plus strand): 5'-GTCCCTATGTATCCTTTCTGGCATAGACAGTGATCGTCACTGCAGCTACCTCCATTCATA[CA>C]GCGAATATTGCAGTGTTGTACTTGAAAAAAAAGAAGAAGAATTCACTTTTGCAACTTAAA-3'